The following is an entry in ClinVar:

NM_002067.5(GNA11):c.605+9C>T

Gene: GNA11 (G protein subunit alpha 11; plus strand). Cytogenetic location: 19p13.3.
Variant type: single nucleotide variant.
Coding change: c.605+9C>T on transcript NM_002067.5 (MANE Select); 9 bases into the intron after coding-DNA position 605, C replaced by T.
Molecular consequence: intron variant.
Genome position (GRCh38, 1-based): chr19:3,115,081, C>T. VCF-style: chr19-3115081-C-T. GRCh37 (hg19) VCF-style: chr19-3115079-C-T.
Other names: c.605+9C>T (NM_002067.4).
Identifiers: ClinVar variation 2171236 (VCV002171236.6), dbSNP rs530116093, ClinGen allele CA9074930.
Genomic context (GRCh38, chr19:3,115,081, plus strand): 5'-CCACCACCGGCATCATCGAGTACCCTTTCGACCTGGAGAACATCATCTTCCGGTACCGCC[C>T]GGGCCACAGCAGGCGGGGAGGGGGCACTGAGAGGCTCATTTGCCCGGTGTGCCGGCTCAT-3'

ClinVar aggregate classification (germline): Likely benign. Review status: criteria provided, multiple submitters, no conflicts (2 of 4 stars). 3 submissions from 3 submitters: Likely benign (3). Last evaluated 2026-07-08.

Conditions:
GNA11-related disorder. Also called: GNA11-related condition.

Allele frequency attached by ClinVar (database versions not stated): gnomAD 0.00002; TOPMed 0.00002; ExAC 0.00003; gnomAD exomes 0.00010.
gnomAD v4.1: 154 of 1,605,444 alleles (0.0096%); highest among the groups gnomAD compares: Non-Finnish European, 0.012%; 1 homozygote.

Submissions (3):

PreventionGenetics, part of Exact Sciences
Classification: Likely benign for GNA11-related condition. Last evaluated: 2026-07-08. Review status: criteria provided, single submitter. Criteria: ACMG Guidelines, 2015. Collection method: clinical testing. Allele origin: germline.
Comment: This variant is classified as likely benign based on ACMG/AMP sequence variant interpretation guidelines (Richards et al. 2015 PMID: 25741868, with internal and published modifications).

Labcorp Genetics (formerly Invitae), Labcorp
Classification: Likely benign. Last evaluated: 2025-12-17. Review status: criteria provided, single submitter. Criteria: Invitae Variant Classification Sherloc (09022015). Collection method: clinical testing. Allele origin: germline.

Blueprint Genetics
Classification: Likely benign. Last evaluated: 2023-12-29. Review status: criteria provided, single submitter. Criteria: ACMG Guidelines, 2015. Collection method: clinical testing. Allele origin: germline.